The following is an entry in ClinVar:

NM_000719.7(CACNA1C):c.5214C>T (p.Gly1738=)

Genes: CACNA1C-AS1 (CACNA1C antisense RNA 1; minus strand), CACNA1C (calcium voltage-gated channel subunit alpha1 C; plus strand). Cytogenetic location: 12p13.33.
Variant type: single nucleotide variant.
Coding change: c.5214C>T on transcript NM_000719.7 (MANE Select); coding-DNA position 5214, C replaced by T.
Protein change: p.Gly1738=; no amino-acid change (glycine 1738 retained).
Molecular consequence: synonymous variant.
Genome position (GRCh38, 1-based): chr12:2,679,566, C>T. VCF-style: chr12-2679566-C-T. GRCh37 (hg19) VCF-style: chr12-2788732-C-T.
Other names: c.5358C>T, p.Gly1786= (NM_001129827.2, NM_199460.4); c.5337C>T, p.Gly1779= (NM_001129829.2); c.5214C>T, p.Gly1738= (NM_001129830.3, NM_001129840.2, NM_001129841.2 and 4 more transcripts); c.5298C>T, p.Gly1766= (NM_001129831.2); c.5274C>T, p.Gly1758= (NM_001129832.2); c.5271C>T, p.Gly1757= (NM_001129833.2, NM_001129834.2, NM_001129835.2); c.5265C>T, p.Gly1755= (NM_001129836.2); c.5238C>T, p.Gly1746= (NM_001129837.2, NM_001129838.2); and 3 more.
Identifiers: ClinVar variation 238174 (VCV000238174.50), dbSNP rs199538058, ClinGen allele CA6389732.

ClinVar aggregate classification (germline): Benign/Likely benign. Review status: criteria provided, multiple submitters, no conflicts (2 of 4 stars). 10 submissions from 10 submitters: Benign (4); Likely benign (3). 3 of the submissions do not count toward it. Last evaluated 2025-12-31.

Conditions:
Cardiovascular phenotype. Identifiers: MedGen CN230736.
CACNA1C-related disorder. Also called: CACNA1C-related disorders; CACNA1C-related condition. Identifiers: MedGen CN381092, MONDO:0700321.
Long QT syndrome (LQTS). Identifiers: MedGen C0023976, MeSH D008133, MONDO:0002442. Disease mechanism: loss of function. Inheritance: Various modes of inheritance.

Allele frequency attached by ClinVar (database versions not stated): TOPMed 0.00025.
gnomAD v4.1: 383 of 1,613,558 alleles (0.024%); highest among the groups gnomAD compares: East Asian, 0.3%; 2 homozygotes.

Submissions (10):

Labcorp Genetics (formerly Invitae), Labcorp
Classification: Benign for Long QT syndrome. Last evaluated: 2025-12-31. Review status: criteria provided, single submitter. Criteria: Invitae Variant Classification Sherloc (09022015). Collection method: clinical testing. Allele origin: germline.

Women's Health and Genetics/Laboratory Corporation of America, LabCorp
Classification: Benign. Last evaluated: 2025-01-17. Review status: criteria provided, single submitter. Criteria: LabCorp Variant Classification Summary - May 2015. Collection method: clinical testing. Allele origin: germline.

Blueprint Genetics
Classification: Likely benign. Last evaluated: 2024-11-06. Review status: criteria provided, single submitter. Criteria: ACMG Guidelines, 2015. Collection method: clinical testing. Allele origin: germline.

CeGaT Center for Human Genetics Tuebingen
Classification: Benign. Last evaluated: 2022-08-01. Review status: criteria provided, single submitter. Criteria: CeGaT Center For Human Genetics Tuebingen Variant Classification Criteria Version 2. Collection method: clinical testing. Allele origin: germline. Affected: yes. Observed: 2 variant alleles.
Comment: CACNA1C: BS1, BS2

Ambry Genetics
Classification: Likely benign for Cardiovascular phenotype. Last evaluated: 2017-06-06. Review status: criteria provided, single submitter. Criteria: Ambry Variant Classification Scheme 2023. Collection method: clinical testing. Allele origin: germline.

GeneDx
Classification: Benign. Last evaluated: 2015-03-03. Review status: criteria provided, single submitter. Criteria: GeneDx Variant Classification Process June 2021. Collection method: clinical testing. Allele origin: germline. Affected: yes.

Breakthrough Genomics
Classification: Likely benign. Review status: criteria provided, single submitter. Criteria: ACMG Guidelines, 2015. Collection method: not provided. Allele origin: germline. Inheritance: Autosomal dominant inheritance. Affected: yes.

PreventionGenetics, part of Exact Sciences
Classification: Likely benign for CACNA1C-related condition. Last evaluated: 2024-01-03. Review status: no assertion criteria provided. Collection method: clinical testing. Allele origin: germline. Not counted in ClinVar's aggregate classification.
Comment: This variant is classified as likely benign based on ACMG/AMP sequence variant interpretation guidelines (Richards et al. 2015 PMID: 25741868, with internal and published modifications).

Clinical Genetics, Academic Medical Center
Classification: Benign. Review status: no assertion criteria provided. Collection method: clinical testing. Allele origin: germline. Affected: yes. Study: VKGL Data-share Consensus. Not counted in ClinVar's aggregate classification.

Joint Genome Diagnostic Labs from Nijmegen and Maastricht, Radboudumc and MUMC+
Classification: Benign. Review status: no assertion criteria provided. Collection method: clinical testing. Allele origin: germline. Affected: yes. Study: VKGL Data-share Consensus. Not counted in ClinVar's aggregate classification.